The following is an entry in ClinVar:

NM_002968.3(SALL1):c.3322G>A (p.Val1108Ile)

Gene: SALL1 (spalt like transcription factor 1; minus strand). Cytogenetic location: 16q12.1.
Variant type: single nucleotide variant.
Coding change: c.3322G>A on transcript NM_002968.3 (MANE Select); coding-DNA position 3322, G replaced by A.
Protein change: p.Val1108Ile; replaces valine 1108 with isoleucine.
Molecular consequence: missense variant.
Genome position (GRCh38, 1-based): chr16:51,138,900, C>T on the plus strand (G>A on the coding strand, the complement: SALL1 is on the minus strand). VCF-style: chr16-51138900-C-T. GRCh37 (hg19) VCF-style: chr16-51172811-C-T.
Other names: c.3031G>A, p.Val1011Ile (NM_001127892.2); short protein forms V1011I, V1108I.
Identifiers: ClinVar variation 689599 (VCV000689599.3), dbSNP rs148931484, ClinGen allele CA8052952.

ClinVar aggregate classification (germline): Likely benign. Review status: criteria provided, multiple submitters, no conflicts (2 of 4 stars). 3 submissions from 3 submitters: Likely benign (2). 1 of the submissions does not count toward it. Last evaluated 2021-12-29.

Conditions:
SALL1-related disorder. Also called: SALL1-related condition.
Townes-Brocks syndrome 1 (TBS1). Also called: REAR SYNDROME; RENAL-EAR-ANAL-RADIAL SYNDROME; DEAFNESS, SENSORINEURAL, WITH IMPERFORATE ANUS AND THUMB ANOMALIES; SALL1-Related Townes-Brocks Syndrome. Identifiers: Orphanet 857, MedGen C4551481, MONDO:0054581, OMIM 107480.

Allele frequency attached by ClinVar (database versions not stated): TOPMed 0.00001.
gnomAD v4.1: 25 of 1,614,014 alleles (0.0015%); highest among the groups gnomAD compares: South Asian, 0.02%; 1 homozygote.

Submissions (3):

Fulgent Genetics
Classification: Likely benign for Townes-Brocks syndrome 1. Last evaluated: 2021-12-29. Review status: criteria provided, single submitter. Criteria: ACMG Guidelines, 2015. Collection method: clinical testing. Allele origin: unknown.

Genetic Testing Center for Deafness, Department of Otolaryngology Head & Neck Surgery, Institute of Otolaryngology, Chinese PLA General Hospital
Classification: Likely benign. Review status: criteria provided, single submitter. Criteria: ClinGen HL ACMG Specifications v1. Collection method: case-control. Allele origin: paternal. Affected: no. Observed: 2 variant alleles.

PreventionGenetics, part of Exact Sciences
Classification: Likely benign for SALL1-related condition. Last evaluated: 2024-03-08. Review status: no assertion criteria provided. Collection method: clinical testing. Allele origin: germline. Not counted in ClinVar's aggregate classification.
Comment: This variant is classified as likely benign based on ACMG/AMP sequence variant interpretation guidelines (Richards et al. 2015 PMID: 25741868, with internal and published modifications).